The following is an entry in ClinVar:

ClinVar aggregate classification (germline): Benign. Review status: criteria provided, multiple submitters, no conflicts (2 of 4 stars). 8 submissions from 8 submitters: Benign (6). 2 of the submissions do not count toward it. Last evaluated 2026-02-02.

Conditions:
Amyotrophic lateral sclerosis type 6. Also called: FUS-Related Amyotrophic Laterial Sclerosis; AMYOTROPHIC LATERAL SCLEROSIS 6 WITHOUT FRONTOTEMPORAL DEMENTIA; Amyotrophic lateral sclerosis 6, with or without frontotemporal dementia. Identifiers: Orphanet 275872, Orphanet 803, MedGen C2931786, MONDO:0011951, OMIM 608030.
Tremor, hereditary essential, 4 (ETM4). Identifiers: MedGen C3539195, MONDO:0013888, OMIM 614782.

Allele frequency attached by ClinVar (database versions not stated): gnomAD 0.05689 and 0.06048; gnomAD exomes 0.00748 and 0.01663; 1000 Genomes Project 30x 0.06277; ExAC 0.02052; ESP Exome Variant Server 0.06334; 1000 Genomes Project 0.05831; TOPMed 0.06262.
gnomAD v4.1: 20,060 of 1,614,078 alleles (1.2%); highest among the groups gnomAD compares: African/African-American, 19%; 1,475 homozygotes.

Submissions (8):

Labcorp Genetics (formerly Invitae), Labcorp
Classification: Benign for Tremor, hereditary essential, 4; Amyotrophic lateral sclerosis type 6. Last evaluated: 2026-02-02. Review status: criteria provided, single submitter. Criteria: Invitae Variant Classification Sherloc (09022015). Collection method: clinical testing. Allele origin: germline.

GeneDx
Classification: Benign. Last evaluated: 2019-04-10. Review status: criteria provided, single submitter. Criteria: GeneDx Variant Classification Process June 2021. Collection method: clinical testing. Allele origin: germline. Affected: yes.

Mayo Clinic Laboratories, Mayo Clinic
Classification: Benign. Last evaluated: 2018-01-17. Review status: criteria provided, single submitter. Criteria: ACMG Guidelines, 2015. Collection method: clinical testing. Allele origin: germline. Observed: 38 variant alleles.

Illumina Laboratory Services, Illumina
Classification: Benign for Amyotrophic lateral sclerosis type 6. Last evaluated: 2018-01-12. Review status: criteria provided, single submitter. Criteria: ICSL Variant Classification Criteria 13 December 2019. Collection method: clinical testing. Allele origin: germline.
Comment: This variant was observed in the ICSL laboratory as part of a predisposition screen in an ostensibly healthy population. It had not been previously curated by ICSL or reported in the Human Gene Mutation Database (HGMD: prior to June 1st, 2018), and was therefore a candidate for classification through an automated scoring system. Utilizing variant allele frequency, disease prevalence and penetrance estimates, and inheritance mode, an automated score was calculated to assess if this variant is too frequent to cause the disease. Based on the score and internal cut-off values, a variant classified as benign is not then subjected to further curation. The score for this variant resulted in a classification of benign for this disease.

Breakthrough Genomics
Classification: Benign. Review status: criteria provided, single submitter. Criteria: ACMG Guidelines, 2015. Collection method: not provided. Allele origin: germline. Inheritance: Autosomal dominant inheritance. Affected: yes.

PreventionGenetics, part of Exact Sciences
Classification: Benign. Review status: criteria provided, single submitter. Criteria: ACMG Guidelines, 2015. Collection method: clinical testing. Allele origin: germline.

Clinical Genetics DNA and cytogenetics Diagnostics Lab, Erasmus MC, Erasmus Medical Center
Classification: Benign. Review status: no assertion criteria provided. Collection method: clinical testing. Allele origin: germline. Affected: yes. Study: VKGL Data-share Consensus. Not counted in ClinVar's aggregate classification.

Genome Diagnostics Laboratory, Amsterdam University Medical Center
Classification: Benign. Review status: no assertion criteria provided. Collection method: clinical testing. Allele origin: germline. Affected: yes. Study: VKGL Data-share Consensus. Not counted in ClinVar's aggregate classification.

NM_004960.4(FUS):c.190+9T>C

Gene: FUS (FUS RNA binding protein; plus strand). Cytogenetic location: 16p11.2.
Variant type: single nucleotide variant.
Coding change: c.190+9T>C on transcript NM_004960.4 (MANE Select); 9 bases into the intron after coding-DNA position 190, T replaced by C.
Molecular consequence: intron variant.
Genome position (GRCh38, 1-based): chr16:31,182,673, T>C. VCF-style: chr16-31182673-T-C. GRCh37 (hg19) VCF-style: chr16-31193994-T-C.
Other names: p.?; c.190+9T>C (NM_001170937.1, NM_001170634.1).
Identifiers: ClinVar variation 259596 (VCV000259596.22), dbSNP rs73530283, ClinGen allele CA8023462.